The following is an entry in ClinVar:

ClinVar aggregate classification (germline): Likely benign (1 of 4 stars; one submission).

Conditions:
Lynch syndrome. Identifiers: Orphanet 144, MedGen C4552100, MONDO:0005835. Disease mechanism: loss of function.

Submission:

All of Us Research Program, National Institutes of Health
Classification: Likely benign for Lynch syndrome. Last evaluated: 2024-04-25. Review status: criteria provided, single submitter. Criteria: ACMG Guidelines, 2015. Collection method: clinical testing. Allele origin: germline. Inheritance: Autosomal dominant inheritance. Observed: 1 variant allele, 1 heterozygote.
Comment: This study involves interpretation of variants in research participants for the purpose of population health screening. Participant phenotype was not available at the time of variant classification. Additional details can be found in publication PMID: 35346344, PMCID: PMC8962531

NM_000179.3(MSH6):c.2217A>T (p.Thr739=)

Gene: MSH6 (mutS homolog 6; plus strand). Cytogenetic location: 2p16.3.
Variant type: single nucleotide variant.
Coding change: c.2217A>T on transcript NM_000179.3 (MANE Select); coding-DNA position 2217, A replaced by T.
Protein change: p.Thr739=; no amino-acid change (threonine 739 retained).
Molecular consequence: synonymous variant. On other transcripts: non-coding transcript variant (5), intron variant (2).
Genome position (GRCh38, 1-based): chr2:47,800,200, A>T. VCF-style: chr2-47800200-A-T. GRCh37 (hg19) VCF-style: chr2-48027339-A-T.
Other names: c.1827A>T, p.Thr609= (NM_001281492.2); c.1311A>T, p.Thr437= (NM_001281493.2, NM_001281494.2, NM_001406811.1 and 6 more transcripts); c.2313A>T, p.Thr771= (NM_001406795.1, NM_001406802.1); c.2217A>T, p.Thr739= (NM_001406796.1, NM_001406798.1, NM_001406800.1 and 3 more transcripts); c.1920A>T, p.Thr640= (NM_001406797.1, NM_001406801.1, NM_001406805.1 and 10 more transcripts); c.1692A>T, p.Thr564= (NM_001406799.1, NM_001406806.1, NM_001406807.1); c.2139A>T, p.Thr713= (NM_001406804.1); c.2223A>T, p.Thr741= (NM_001406813.1); and 3 more.
Identifiers: ClinVar variation 3387063 (VCV003387063.1).